The following is an entry in ClinVar:

ClinVar aggregate classification (germline): Uncertain significance. Review status: criteria provided, multiple submitters, no conflicts (2 of 4 stars). 2 submissions from 2 submitters: Uncertain significance (2). Last evaluated 2024-03-03.

Conditions:
Familial focal epilepsy with variable foci (FPEVF). Identifiers: Orphanet 98820, MedGen C1858477, MONDO:0020310.

Submissions (2):

GeneDx
Classification: Uncertain significance. Last evaluated: 2024-03-03. Review status: criteria provided, single submitter. Criteria: GeneDx Variant Classification Process June 2021. Collection method: clinical testing. Allele origin: germline.
Comment: Not observed at significant frequency in large population cohorts (gnomAD); In silico analysis supports that this missense variant has a deleterious effect on protein structure/function; Has not been previously published as pathogenic or benign to our knowledge

Labcorp Genetics (formerly Invitae), Labcorp
Classification: Uncertain significance for Familial focal epilepsy with variable foci. Last evaluated: 2022-08-27. Review status: criteria provided, single submitter. Criteria: Invitae Variant Classification Sherloc (09022015). Collection method: clinical testing. Allele origin: germline.
Comment: Algorithms developed to predict the effect of missense changes on protein structure and function are either unavailable or do not agree on the potential impact of this missense change (SIFT: "Deleterious"; PolyPhen-2: "Not Available"; Align-GVGD: "Class C15"). In summary, the available evidence is currently insufficient to determine the role of this variant in disease. Therefore, it has been classified as a Variant of Uncertain Significance. This variant has not been reported in the literature in individuals affected with DEPDC5-related conditions. This variant is not present in population databases (gnomAD no frequency). This sequence change replaces methionine, which is neutral and non-polar, with valine, which is neutral and non-polar, at codon 1553 of the DEPDC5 protein (p.Met1553Val).

NM_001242896.3(DEPDC5):c.4657A>G (p.Met1553Val)

Gene: DEPDC5 (DEP domain containing 5, GATOR1 subcomplex subunit; plus strand). Cytogenetic location: 22q12.3.
Variant type: single nucleotide variant.
Coding change: c.4657A>G on transcript NM_001242896.3 (MANE Select); coding-DNA position 4657, A replaced by G.
Protein change: p.Met1553Val; replaces methionine 1553 with valine.
Molecular consequence: missense variant. On other transcripts: non-coding transcript variant (5).
Genome position (GRCh38, 1-based): chr22:31,906,342, A>G. VCF-style: chr22-31906342-A-G. GRCh37 (hg19) VCF-style: chr22-32302328-A-G.
Other names: c.4657A>G (NM_001242896.1); c.4630A>G, p.Met1544Val (NM_001136029.4); c.4357A>G, p.Met1453Val (NM_001242897.2); c.4591A>G, p.Met1531Val (NM_001363852.2, NM_001364320.2); c.4423A>G, p.Met1475Val (NM_001363854.2, NM_001364319.2); c.4657A>G, p.Met1553Val (NM_001364318.2); c.4573A>G, p.Met1525Val (NM_001369901.1, NM_001369902.1); c.4564A>G, p.Met1522Val (NM_001369903.1, NM_014662.6); short protein forms M1453V, M1475V, M1522V, M1525V, M1531V, M1544V, M1553V.
Identifiers: ClinVar variation 1718148 (VCV001718148.7), dbSNP rs2523600144, ClinGen allele CA411292667.
Genomic context (GRCh38, chr22:31,906,342, plus strand): 5'-TCCACCAACCAGAACATGTTCTGCGAGGAGCGGGTCGGCTACAACTGGGCCTACAACACC[A>G]TGCTCACCAAAACATGGCGCTCCAGCGCCACAGGGGATGAAAAGTTTGCTGATCGGCTGC-3'
Protein context (NP_001229825.1, residues 1543-1563): RVGYNWAYNT[Met1553Val]LTKTWRSSAT